The following is an entry in ClinVar:

NM_015330.6(SPECC1L):c.726T>C (p.Thr242=)

Genes: SPECC1L (sperm antigen with calponin homology and coiled-coil domains 1 like; plus strand), SPECC1L-ADORA2A (SPECC1L-ADORA2A readthrough (NMD candidate); plus strand). Cytogenetic location: 22q11.23.
Variant type: single nucleotide variant.
Coding change: c.726T>C on transcript NM_015330.6 (MANE Select); coding-DNA position 726, T replaced by C.
Protein change: p.Thr242=; no amino-acid change (threonine 242 retained).
Molecular consequence: synonymous variant. On other transcripts: non-coding transcript variant (1).
Genome position (GRCh38, 1-based): chr22:24,321,706, T>C. VCF-style: chr22-24321706-T-C. GRCh37 (hg19) VCF-style: chr22-24717674-T-C.
Other names: c.726T>C, p.Thr242= (NM_001145468.4, NM_001254732.3).
Identifiers: ClinVar variation 3037118 (VCV003037118.2), dbSNP rs200474506, ClinGen allele CA10152011.
Genomic context (GRCh38, chr22:24,321,706, plus strand): 5'-TGATGAAAAATCTGAGAAGGAAACTATTATGGCTCACCAGCCGACTGATGTGGAGTCCAC[T>C]TTATTGCAGTTGCAGGAACAGAATACTGCCATCCGTGAAGAACTCAACCAGCTGAAAAAT-3'
Protein context (NP_056145.5, residues 232-252): MAHQPTDVES[Thr242=]LLQLQEQNTA

ClinVar aggregate classification (germline): Likely benign (0 of 4 stars; one submission).

Conditions:
SPECC1L-related disorder. Also called: SPECC1L-related condition.

Allele frequency attached by ClinVar (database versions not stated): ExAC 0.00001; gnomAD 0.00001; TOPMed 0.00002; gnomAD exomes 0.00003; ESP Exome Variant Server 0.00008.
gnomAD v4.1: 44 of 1,614,112 alleles (0.0027%); highest among the groups gnomAD compares: Non-Finnish European, 0.0036%; no homozygotes.

Submission:

PreventionGenetics, part of Exact Sciences
Classification: Likely benign for SPECC1L-related condition. Last evaluated: 2021-05-05. Review status: no assertion criteria provided. Collection method: clinical testing. Allele origin: germline.
Comment: This variant is classified as likely benign based on ACMG/AMP sequence variant interpretation guidelines (Richards et al. 2015 PMID: 25741868, with internal and published modifications).